The following is an entry in ClinVar:

ClinVar aggregate classification (germline): Uncertain significance. Review status: criteria provided, multiple submitters, no conflicts (2 of 4 stars). 2 submissions from 2 submitters: Uncertain significance (2). Last evaluated 2025-11-13.

Conditions:
Inborn genetic diseases. Identifiers: MedGen C0950123, MeSH D030342.

Allele frequency attached by ClinVar (database versions not stated): gnomAD exomes below 0.00001; TOPMed 0.00001.
gnomAD v4.1: 3 of 1,613,130 alleles (0.00019%); highest among the groups gnomAD compares: African/African-American, 0.0013%; no homozygotes.

Submissions (2):

Ambry Genetics
Classification: Uncertain significance for Inborn genetic diseases. Last evaluated: 2025-11-13. Review status: criteria provided, single submitter. Criteria: Ambry Variant Classification Scheme 2023. Collection method: clinical testing. Allele origin: germline.

Labcorp Genetics (formerly Invitae), Labcorp
Classification: Uncertain significance. Last evaluated: 2024-02-22. Review status: criteria provided, single submitter. Criteria: Invitae Variant Classification Sherloc (09022015). Collection method: clinical testing. Allele origin: germline.
Comment: This sequence change replaces lysine, which is basic and polar, with arginine, which is basic and polar, at codon 756 of the GUCY2C protein (p.Lys756Arg). This variant is not present in population databases (gnomAD no frequency). This variant has not been reported in the literature in individuals affected with GUCY2C-related conditions. Advanced modeling of protein sequence and biophysical properties (such as structural, functional, and spatial information, amino acid conservation, physicochemical variation, residue mobility, and thermodynamic stability) performed at Invitae indicates that this missense variant is not expected to disrupt GUCY2C protein function with a negative predictive value of 80%. In summary, the available evidence is currently insufficient to determine the role of this variant in disease. Therefore, it has been classified as a Variant of Uncertain Significance.

NM_004963.4(GUCY2C):c.2267A>G (p.Lys756Arg)

Gene: GUCY2C (guanylate cyclase 2C; minus strand). Cytogenetic location: 12p12.3.
Variant type: single nucleotide variant.
Coding change: c.2267A>G on transcript NM_004963.4 (MANE Select); coding-DNA position 2267, A replaced by G.
Protein change: p.Lys756Arg; replaces lysine 756 with arginine.
Molecular consequence: missense variant.
Genome position (GRCh38, 1-based): chr12:14,625,898, T>C on the plus strand (A>G on the coding strand, the complement: GUCY2C is on the minus strand). VCF-style: chr12-14625898-T-C. GRCh37 (hg19) VCF-style: chr12-14778832-T-C.
Other names: c.2267A>G (NM_004963.3); short protein forms K756R.
Identifiers: ClinVar variation 2983538 (VCV002983538.4), dbSNP rs1340302042, ClinGen allele CA383997765.